The following is an entry in ClinVar:

ClinVar aggregate classification (germline): Pathogenic. Review status: reviewed by expert panel (3 of 4 stars). 3 submissions from 3 submitters: Pathogenic (1). 2 of the submissions do not count toward it. Last evaluated 2016-10-18.

Conditions:
Breast-ovarian cancer, familial, susceptibility to, 2 (BROVCA2). Also called: BRCA2 Hereditary Breast and Ovarian Cancer. Identifiers: Orphanet 145, MedGen C2675520, MONDO:0012933, OMIM 612555. Disease mechanism: loss of function.
Hereditary cancer-predisposing syndrome. Also called: Hereditary neoplastic syndrome; Neoplastic Syndromes, Hereditary; Tumor predisposition; Hereditary Cancer Syndrome. Identifiers: Orphanet 140162, MedGen C0027672, MeSH D009386, MONDO:0015356.

Submissions (3):

Evidence-based Network for the Interpretation of Germline Mutant Alleles (ENIGMA)
Classification: Pathogenic for Breast-ovarian cancer, familial, susceptibility to, 2. Last evaluated: 2016-10-18. Review status: reviewed by expert panel. Criteria: ENIGMA BRCA1/2 Classification Criteria (2015). Collection method: curation. Allele origin: germline.
Comment: Variant allele predicted to encode a truncated non-functional protein.

Ambry Genetics
Classification: Pathogenic for Hereditary cancer-predisposing syndrome. Last evaluated: 2021-08-09. Review status: criteria provided, single submitter. Criteria: Ambry Variant Classification Scheme 2023. Collection method: clinical testing. Allele origin: germline. Not counted in ClinVar's aggregate classification.
Comment: The c.7309delA pathogenic mutation, located in coding exon 13 of the BRCA2 gene, results from a deletion of one nucleotide at nucleotide position 7309, causing a translational frameshift with a predicted alternate stop codon (p.I2437Lfs*32). This alteration has been reported in two unrelated Italian breast and ovarian cancer families (Coppa A et al. Breast Cancer Res Treat, 2014 Dec;148:629-35). In addition to the clinical data presented in the literature, this alteration is expected to result in loss of function by premature protein truncation or nonsense-mediated mRNA decay. As such, this alteration is interpreted as a disease-causing mutation.

Consortium of Investigators of Modifiers of BRCA1/2 (CIMBA), c/o University of Cambridge
Classification: Pathogenic for Breast-ovarian cancer, familial, susceptibility to, 2. Last evaluated: 2015-10-02. Review status: criteria provided, single submitter. Criteria: CIMBA Mutation Classification guidelines May 2016. Collection method: clinical testing. Allele origin: germline. Not counted in ClinVar's aggregate classification.

Literature cited by the submitters: PubMed 25395318 (cited by Ambry Genetics); PubMed 29446198 (cited by Ambry Genetics).

NM_000059.4(BRCA2):c.7309del (p.Ile2437fs)

Gene: BRCA2 (BRCA2 DNA repair associated; plus strand). Cytogenetic location: 13q13.1.
Variant type: Deletion.
Coding change: c.7309del on transcript NM_000059.4 (MANE Select); coding-DNA position 7309, one base deleted (A; older notation c.7309delA).
Protein change: p.Ile2437fs; shifts the reading frame from isoleucine 2437.
Molecular consequence: frameshift variant.
Genome position (GRCh38, 1-based): chr13:32,355,162, A deleted. VCF-style (leftmost placement, unchanged base first): chr13-32355161-CA-C. GRCh37 (hg19) VCF-style: chr13-32929298-CA-C.
Other names: 7537delA; c.7309delA (NM_000059.3); short protein forms I2437fs.
Identifiers: ClinVar variation 267001 (VCV000267001.9), dbSNP rs886040699, ClinGen allele CA10589422.